The following is an entry in ClinVar:

ClinVar aggregate classification (germline): Uncertain significance (1 of 4 stars; one submission).

Submission:

Labcorp Genetics (formerly Invitae), Labcorp
Classification: Uncertain significance. Last evaluated: 2025-03-18. Review status: criteria provided, single submitter. Criteria: Invitae Variant Classification Sherloc (09022015). Collection method: clinical testing. Allele origin: germline.
Comment: This sequence change replaces lysine, which is basic and polar, with threonine, which is neutral and polar, at codon 452 of the IL23R protein (p.Lys452Thr). This variant is not present in population databases (gnomAD no frequency). This variant has not been reported in the literature in individuals affected with IL23R-related conditions. ClinVar contains an entry for this variant (Variation ID: 1410513). An algorithm developed to predict the effect of missense changes on protein structure and function outputs the following: PolyPhen-2: "Possibly Damaging". The threonine amino acid residue is found in multiple mammalian species, which suggests that this missense change does not adversely affect protein function. In summary, the available evidence is currently insufficient to determine the role of this variant in disease. Therefore, it has been classified as a Variant of Uncertain Significance.

NM_144701.3(IL23R):c.1355A>C (p.Lys452Thr)

Gene: IL23R (interleukin 23 receptor; plus strand). Cytogenetic location: 1p31.3.
Variant type: single nucleotide variant.
Coding change: c.1355A>C on transcript NM_144701.3 (MANE Select); coding-DNA position 1355, A replaced by C.
Protein change: p.Lys452Thr; replaces lysine 452 with threonine.
Molecular consequence: missense variant.
Genome position (GRCh38, 1-based): chr1:67,258,593, A>C. VCF-style: chr1-67258593-A-C. GRCh37 (hg19) VCF-style: chr1-67724276-A-C.
Other names: short protein forms K452T.
Identifiers: ClinVar variation 1410513 (VCV001410513.6), dbSNP rs2100397158, ClinGen allele CA340727940.